The following is an entry in ClinVar:

ClinVar aggregate classification (germline): Uncertain significance (1 of 4 stars; one submission).

gnomAD v4.1: 2 of 1,613,580 alleles (0.00012%); highest among the groups gnomAD compares: Non-Finnish European, 0.00017%; no homozygotes.

Submission:

GeneDx
Classification: Uncertain significance. Last evaluated: 2023-06-14. Review status: criteria provided, single submitter. Criteria: GeneDx Variant Classification Process June 2021. Collection method: clinical testing. Allele origin: germline. Affected: yes.
Comment: Not observed at significant frequency in large population cohorts (gnomAD); In silico analysis supports that this missense variant has a deleterious effect on protein structure/function; Has not been previously published as pathogenic or benign to our knowledge

NM_182961.4(SYNE1):c.21863A>T (p.Asp7288Val)

Gene: SYNE1 (spectrin repeat containing nuclear envelope protein 1; minus strand). Cytogenetic location: 6q25.2.
Variant type: single nucleotide variant.
Coding change: c.21863A>T on transcript NM_182961.4 (MANE Select); coding-DNA position 21863, A replaced by T.
Protein change: p.Asp7288Val; replaces aspartic acid 7288 with valine.
Molecular consequence: missense variant.
Genome position (GRCh38, 1-based): chr6:152,219,184, T>A on the plus strand (A>T on the coding strand, the complement: SYNE1 is on the minus strand). VCF-style: chr6-152219184-T-A. GRCh37 (hg19) VCF-style: chr6-152540319-T-A.
Other names: c.21650A>T, p.Asp7217Val (NM_033071.5); short protein forms D7217V, D7288V.
Identifiers: ClinVar variation 3359823 (VCV003359823.1).
Genomic context (GRCh38, chr6:152,219,184, plus strand): 5'-TCTCCCAGCTCATGGAGAAAAAAGAGGGAATCTTTAACTGTGCCCAGTCCTTTGAGGAGG[T>A]CCTAGAAGAGGTGAAAATATGCCCACTCTGAAGCATGTTGATACTCCTTATCATAAACAG-3'
Protein context (NP_892006.3, residues 7278-7298): EVATWIQDCN[Asp7288Val]LLKGLGTVKD